The following is an entry in ClinVar:

NM_001365480.1(CCDC88A):c.4540G>A (p.Val1514Ile)

Gene: CCDC88A (coiled-coil domain containing 88A; minus strand). Cytogenetic location: 2p16.1.
Variant type: single nucleotide variant.
Coding change: c.4540G>A on transcript NM_001365480.1 (MANE Select); coding-DNA position 4540, G replaced by A.
Protein change: p.Val1514Ile; replaces valine 1514 with isoleucine.
Molecular consequence: missense variant.
Genome position (GRCh38, 1-based): chr2:55,302,004, C>T on the plus strand (G>A on the coding strand, the complement: CCDC88A is on the minus strand). VCF-style: chr2-55302004-C-T. GRCh37 (hg19) VCF-style: chr2-55529140-C-T.
Other names: c.4537G>A, p.Val1513Ile (NM_001135597.2, NM_001254943.2); c.4456G>A, p.Val1486Ile (NM_018084.5); short protein forms V1514I, V1513I, V1486I.
Identifiers: ClinVar variation 1915726 (VCV001915726.4), dbSNP rs1426779004, ClinGen allele CA346913862.
Genomic context (GRCh38, chr2:55,302,004, plus strand): 5'-TAGAGAAGGCCATAGCTCCCAATTCTTTTCTCCTTTTACCCGTTGAAATATCATCAGGAA[C>T]CTCCAAATTCTCAGTACTACCTGTCCACTGTCCTGCTAGGACCATGGACTGCACCAGGTC-3'
Protein context (NP_001352409.1, residues 1504-1524): QWTGSTENLE[Val1514Ile]PDDISTGKRR

ClinVar aggregate classification (germline): Uncertain significance (1 of 4 stars; one submission).

Allele frequency attached by ClinVar (database versions not stated): gnomAD exomes below 0.00001; TOPMed below 0.00001; gnomAD 0.00001.
gnomAD v4.1: 2 of 1,614,014 alleles (0.00012%); highest among the groups gnomAD compares: African/African-American, 0.0013%; no homozygotes.

Submission:

Labcorp Genetics (formerly Invitae), Labcorp
Classification: Uncertain significance. Last evaluated: 2021-12-22. Review status: criteria provided, single submitter. Criteria: Invitae Variant Classification Sherloc (09022015). Collection method: clinical testing. Allele origin: germline.
Comment: This sequence change replaces valine, which is neutral and non-polar, with isoleucine, which is neutral and non-polar, at codon 1513 of the CCDC88A protein (p.Val1513Ile). In summary, the available evidence is currently insufficient to determine the role of this variant in disease. Therefore, it has been classified as a Variant of Uncertain Significance. Algorithms developed to predict the effect of missense changes on protein structure and function (SIFT, PolyPhen-2, Align-GVGD) all suggest that this variant is likely to be tolerated. This variant has not been reported in the literature in individuals affected with CCDC88A-related conditions. This variant is not present in population databases (gnomAD no frequency).